The following is an entry in ClinVar:

NM_001384732.1(CPLANE1):c.833A>G (p.Lys278Arg)

Gene: CPLANE1 (ciliogenesis and planar polarity effector complex subunit 1; minus strand). Cytogenetic location: 5p13.2.
Variant type: single nucleotide variant.
Coding change: c.833A>G on transcript NM_001384732.1 (MANE Select); coding-DNA position 833, A replaced by G.
Protein change: p.Lys278Arg; replaces lysine 278 with arginine.
Molecular consequence: missense variant.
Genome position (GRCh38, 1-based): chr5:37,239,714, T>C on the plus strand (A>G on the coding strand, the complement: CPLANE1 is on the minus strand). VCF-style: chr5-37239714-T-C. GRCh37 (hg19) VCF-style: chr5-37239816-T-C.
Other names: c.833A>G, p.Lys278Arg (NM_023073.4); c.833A>G (NM_023073.3); short protein forms K278R.
Identifiers: ClinVar variation 635058 (VCV000635058.3), dbSNP rs566588740, ClinGen allele CA117066228.

ClinVar aggregate classification (germline): Uncertain significance. Review status: criteria provided, multiple submitters, no conflicts (2 of 4 stars). 2 submissions from 2 submitters: Uncertain significance (2). Last evaluated 2023-11-01.

Conditions:
Joubert syndrome 17 (JBTS17). Identifiers: Orphanet 475, MedGen C3553264, MONDO:0013824, OMIM 614615.

Allele frequency attached by ClinVar (database versions not stated): gnomAD 0.00001; TOPMed 0.00001; 1000 Genomes Project 0.00020; 1000 Genomes Project 30x 0.00031.
gnomAD v4.1: 1 of 1,501,040 alleles (0.000067%); highest among the groups gnomAD compares: Admixed American, 0.0021%; no homozygotes.

Submissions (2):

Revvity Omics, Revvity
Classification: Uncertain significance. Last evaluated: 2023-11-01. Review status: criteria provided, single submitter. Criteria: ACMG Guidelines, 2015. Collection method: clinical testing. Allele origin: germline.

Broad Center for Mendelian Genomics, Broad Institute of MIT and Harvard
Classification: Uncertain significance for Joubert syndrome 17. Last evaluated: 2018-06-15. Review status: criteria provided, single submitter. Criteria: ACMG Guidelines, 2015. Collection method: research. Allele origin: germline. Inheritance: Autosomal recessive inheritance. Affected: yes.
Comment: This variant was absent from large population studies. The Lysine (Lys) at position 278 is not highly conserved in mammals and evolutionarily distant species, raising the possibility that a change at this position may be tolerated. Computational prediction tools do not provide strong support for or against an impact to the protein. In summary, the clinical significance of this variant is uncertain.